The following is an entry in ClinVar:

NM_017636.4(TRPM4):c.3641-17T>G

Gene: TRPM4 (transient receptor potential cation channel subfamily M member 4; plus strand). Cytogenetic location: 19q13.33.
Variant type: single nucleotide variant.
Coding change: c.3641-17T>G on transcript NM_017636.4 (MANE Select); 17 bases into the intron before coding-DNA position 3641, T replaced by G.
Molecular consequence: intron variant.
Genome position (GRCh38, 1-based): chr19:49,211,477, T>G. VCF-style: chr19-49211477-T-G. GRCh37 (hg19) VCF-style: chr19-49714734-T-G.
Other names: c.3206-17T>G (NM_001195227.2); c.2033-17T>G (NM_001321282.2); c.3296-17T>G (NM_001321281.2); c.3119-17T>G (NM_001321283.2); c.2579-17T>G (NM_001321285.2).
Identifiers: ClinVar variation 389394 (VCV000389394.18), dbSNP rs369065473, ClinGen allele CA9569999.
Genomic context (GRCh38, chr19:49,211,477, plus strand): 5'-TTTTGCCAGTCTCCCAGTTTTTCTGTCTCTCCCCTTCCCTGCCAATCACCTGCTCTCTCT[T>G]TTCTCTCTTCCCCCAGACTGAGCCCTGCTGGCGGACTTCAAGGAGAAGCCCCCACAGGGG-3'

ClinVar aggregate classification (germline): Benign/Likely benign. Review status: criteria provided, multiple submitters, no conflicts (2 of 4 stars). 4 submissions from 4 submitters: Benign (1); Likely benign (3). Last evaluated 2026-01-25.

Conditions:
Progressive familial heart block type IB (PFHB1B). Identifiers: Orphanet 871, MedGen C1970298, MONDO:0011474, OMIM 604559.

Allele frequency attached by ClinVar (database versions not stated): gnomAD 0.00041 and 0.00053; gnomAD exomes 0.00054 and 0.00061; TOPMed 0.00060; ExAC 0.00070; ESP Exome Variant Server 0.00085.

Submissions (9):

Labcorp Genetics (formerly Invitae), Labcorp
Classification: Benign for Progressive familial heart block type IB. Last evaluated: 2026-01-25. Review status: criteria provided, single submitter. Criteria: Invitae Variant Classification Sherloc (09022015). Collection method: clinical testing. Allele origin: germline.

Blueprint Genetics
Classification: Likely benign. Last evaluated: 2024-10-29. Review status: criteria provided, single submitter. Criteria: ACMG Guidelines, 2015. Collection method: clinical testing. Allele origin: germline.

ARUP Laboratories, Molecular Genetics and Genomics, ARUP Laboratories
Classification: Likely benign. Last evaluated: 2021-04-19. Review status: criteria provided, single submitter. Criteria: ARUP Molecular Germline Variant Investigation Process 2021. Collection method: clinical testing. Allele origin: germline.

GeneDx
Classification: Likely benign. Last evaluated: 2016-12-02. Review status: criteria provided, single submitter. Criteria: GeneDx Variant Classification (06012015). Collection method: clinical testing. Allele origin: germline. Affected: yes.
Comment: This variant is considered likely benign or benign based on one or more of the following criteria: it is a conservative change, it occurs at a poorly conserved position in the protein, it is predicted to be benign by multiple in silico algorithms, and/or has population frequency not consistent with disease.

Dr. Peter K. Rogan Lab, Western University
No classification provided (evidence only). Condition: Uterine corpus endometrial carcinoma. Review status: no classification provided. Collection method: in vitro. Allele origin: not applicable. Functional consequence: retained intron. Not counted in ClinVar's aggregate classification.

Dr. Peter K. Rogan Lab, Western University
No classification provided (evidence only). Condition: Cervical cancer. Review status: no classification provided. Collection method: in vitro. Allele origin: not applicable. Functional consequence: retained intron. Not counted in ClinVar's aggregate classification.

Dr. Peter K. Rogan Lab, Western University
No classification provided (evidence only). Condition: Cervical cancer. Review status: no classification provided. Collection method: in vitro. Allele origin: not applicable. Functional consequence: retained intron. Not counted in ClinVar's aggregate classification.

Dr. Peter K. Rogan Lab, Western University
No classification provided (evidence only). Condition: Ovarian serous cystadenocarcinoma. Review status: no classification provided. Collection method: in vitro. Allele origin: not applicable. Functional consequence: retained intron. Not counted in ClinVar's aggregate classification.

Dr. Peter K. Rogan Lab, Western University
No classification provided (evidence only). Condition: Ovarian serous cystadenocarcinoma. Review status: no classification provided. Collection method: in vitro. Allele origin: not applicable. Functional consequence: retained intron. Not counted in ClinVar's aggregate classification.